The following is an entry in ClinVar:

ClinVar aggregate classification (germline): Pathogenic. Review status: criteria provided, multiple submitters, no conflicts (2 of 4 stars). 22 submissions from 22 submitters: Pathogenic (15). 7 of the submissions do not count toward it. Last evaluated 2026-03-01.

Conditions:
ALDOB-related disorder. Also called: ALDOB-related condition.
Inborn genetic diseases. Identifiers: MedGen C0950123, MeSH D030342.
Hereditary fructosuria. Also called: Hereditary fructose intolerance; ALDOB DEFICIENCY; ALDOLASE B DEFICIENCY; FRUCTOSE-1,6-BISPHOSPHATE ALDOLASE B DEFICIENCY; FRUCTOSE-1-PHOSPHATE ALDOLASE DEFICIENCY; FRUCTOSEMIA. Identifiers: Orphanet 469, MedGen C0016751, MONDO:0009249, OMIM 229600, HP:0005973. Disease mechanism: loss of function.

Submissions 1 to 15 of 22:

CeGaT Center for Human Genetics Tuebingen
Classification: Pathogenic. Last evaluated: 2026-03-01. Review status: criteria provided, single submitter. Criteria: CeGaT Center For Human Genetics Tuebingen Variant Classification Criteria Version 2. Collection method: clinical testing. Allele origin: germline. Affected: yes. Observed: 2 variant alleles.
Comment: ALDOB: PVS1, PM3:Strong, PM2

Labcorp Genetics (formerly Invitae), Labcorp
Classification: Pathogenic for Hereditary fructosuria. Last evaluated: 2026-01-04. Review status: criteria provided, single submitter. Criteria: Invitae Variant Classification Sherloc (09022015). Collection method: clinical testing. Allele origin: germline.
Comment: This sequence change creates a premature translational stop signal (p.Asn120Lysfs*32) in the ALDOB gene. It is expected to result in an absent or disrupted protein product. Loss-of-function variants in ALDOB are known to be pathogenic (PMID: 18541450). This variant is present in population databases (rs762198323, gnomAD 0.02%). This premature translational stop signal has been observed in individuals with fructose intolerance (PMID: 2339710, 26937407). ClinVar contains an entry for this variant (Variation ID: 188861). For these reasons, this variant has been classified as Pathogenic.

Natera, Inc.
Classification: Pathogenic for Fructose intolerance. Last evaluated: 2025-12-16. Review status: criteria provided, single submitter. Criteria: Natera Variant Classification Schema (03/2026). Collection method: clinical testing. Allele origin: germline.
Comment: The c.360_363delCAAA variant in ALDOB is a frameshift variant predicted to shift the reading frame beginning at codon 120 and leads to a stop codon 32 codons downstream. This variant is expected to result in nonsense mediated decay, truncation, or a dysfunctional protein product. This variant is rare in the general population with a frequency below the threshold expected for the associated phenotype(s). This variant has been observed in one or more individuals affected with the associated recessive disease, as either homozygous or compound heterozygous with a second variant (PMID: 31591370). Given the available evidence, this variant is classified as Pathogenic.

North West Genomic Laboratory Hub, Manchester University NHS Foundation Trust
Classification: Pathogenic for Hereditary fructosuria. Last evaluated: 2025-07-24. Review status: criteria provided, single submitter. Criteria: ACGS Best Practice Guidelines for Variant Classification in Rare Disease 2024. Collection method: clinical testing. Allele origin: germline. Affected: yes.
Comment: PM2_Mod PVS1_VStr PM3_Mod

Variantyx, Inc.
Classification: Pathogenic for Hereditary fructosuria. Last evaluated: 2025-03-05. Review status: criteria provided, single submitter. Criteria: Variantyx Assertion Criteria 2022. Collection method: clinical testing. Allele origin: germline.
Comment: This is a frameshift variant in the ALDOB gene (OMIM: 612724). Pathogenic variants in this gene have been associated with autosomal recessive hereditary fructose intolerance. This variant introduces a premature termination codon in exon 4 out of 9. It is expected to result in loss of function, which is a known disease mechanism for ALDOB in this disorder (PMID: 26937407) (PVS1). This variant has been identified in the homozygous or compound heterozygous state in one or more of the following: the current proband, at least 5 individual(s) from the published literature (PMID: 30202406, 26937407, 34162028, 33028743), or previous internal cases (PM3). This variant has a 0.0085% maximum allele frequency in non-founder control populations (PM2_Supporting). Based on the current evidence, this variant is classified as pathogenic for autosomal recessive hereditary fructose intolerance.

Fulgent Genetics
Classification: Pathogenic for Hereditary fructosuria. Last evaluated: 2024-03-18. Review status: criteria provided, single submitter. Criteria: ACMG Guidelines, 2015. Collection method: clinical testing. Allele origin: germline.

3billion
Classification: Pathogenic for Hereditary fructosuria. Last evaluated: 2023-11-16. Review status: criteria provided, single submitter. Criteria: ACMG Guidelines, 2015. Collection method: clinical testing. Allele origin: germline. Affected: yes.
Comment: The variant is observed at an extremely low frequency in the gnomAD v2.1.1 dataset (total allele frequency: 0.005%). Predicted Consequence/Location: Frameshift: predicted to result in a loss or disruption of normal protein function through nonsense-mediated decay (NMD) or protein truncation. Multiple pathogenic variants are reported downstream of the variant. The variant has been reported at least twice as pathogenic with clinical assertions and evidence for the classification (ClinVar ID: VCV000188861 /PMID: 2339710). Therefore, this variant is classified as Pathogenic according to the recommendation of ACMG/AMP guideline.

GeneDx
Classification: Pathogenic. Last evaluated: 2023-06-30. Review status: criteria provided, single submitter. Criteria: GeneDx Variant Classification Process June 2021. Collection method: clinical testing. Allele origin: germline. Affected: yes.
Comment: Frameshift variant predicted to result in protein truncation or nonsense mediated decay in a gene for which loss of function is a known mechanism of disease; This variant is associated with the following publications: (PMID: 34524712, 31980526, 33028743, 31589614, 34426522, 34162028, 15880727, 16406649, 23430936, 22975760, 2339710, 30202406, 26937407)

Blueprint Genetics
Classification: Pathogenic for ALDOB-related disorders. Last evaluated: 2023-03-27. Review status: criteria provided, single submitter. Criteria: ACMG Guidelines, 2015. Collection method: clinical testing. Allele origin: germline. Affected: yes. Observed: 5 variant alleles.

Revvity Omics, Revvity
Classification: Pathogenic for Hereditary fructosuria. Last evaluated: 2022-02-04. Review status: criteria provided, single submitter. Criteria: ACMG Guidelines, 2015. Collection method: clinical testing. Allele origin: germline.

Ambry Genetics
Classification: Pathogenic for Inborn genetic diseases. Last evaluated: 2022-01-26. Review status: criteria provided, single submitter. Criteria: Ambry Variant Classification Scheme 2023. Collection method: clinical testing. Allele origin: germline.
Comment: The c.360_363delCAAA (p.N120Kfs*32) alteration, located in exon 4 (coding exon 3) of the ALDOB gene, consists of a deletion of 4 nucleotides from position 360 to 363, causing a translational frameshift with a predicted alternate stop codon after 32 amino acids. This alteration is expected to result in loss of function by premature protein truncation or nonsense-mediated mRNA decay. Based on data from gnomAD, this alteration has an overall frequency of <0.01% (14/282762) total alleles studied. The highest observed frequency was 0.02% (3/19954) of East Asian alleles. This alteration has been reported in multiple unrelated patients with hereditary fructose intolerance (Dazzo, 1990; Valadares, 2015; Kim, 2021). Based on the available evidence, this alteration is classified as pathogenic.

Mayo Clinic Laboratories, Mayo Clinic
Classification: Pathogenic. Last evaluated: 2021-12-01. Review status: criteria provided, single submitter. Criteria: ACMG Guidelines, 2015. Collection method: clinical testing. Allele origin: germline.
Comment: PM2, PVS1

Women's Health and Genetics/Laboratory Corporation of America, LabCorp
Classification: Pathogenic for Hereditary fructosuria. Last evaluated: 2018-03-20. Review status: criteria provided, single submitter. Criteria: LabCorp Variant Classification Summary - May 2015. Collection method: clinical testing. Allele origin: germline.
Comment: Variant summary: ALDOB c.360_363delCAAA (p.Asn120LysfsX32) results in a premature termination codon, predicted to cause a truncation of the encoded protein or absence of the protein due to nonsense mediated decay, which are commonly known mechanisms for disease. The variant allele was found at a frequency of 4.7e-05 in 277096 control chromosomes. This frequency is not higher than expected for a pathogenic variant in ALDOB causing Hereditary Fructose Intolerance (4.7e-05 vs 0.0045), allowing no conclusion about variant significance. The c.360_363delCAAA variant has been reported in the literature in multiple individuals affected with Hereditary Fructose Intolerance, both as a homozygous and compound heterozygous allele. These data indicate that the variant is very likely to be associated with disease. To our knowledge, no experimental evidence demonstrating an impact on protein function has been reported. One clinical diagnostic laboratory has submitted clinical-significance assessments for this variant to ClinVar after 2014 and classified the variant as pathogenic. Based on the evidence outlined above, the variant was classified as pathogenic.

Eurofins Ntd Llc (ga)
Classification: Pathogenic. Last evaluated: 2017-08-09. Review status: criteria provided, single submitter. Criteria: EGL Classification Definitions 2015. Collection method: clinical testing. Allele origin: germline. Observed: 1 variant allele, 1 homozygote.

Juno Genomics, Hangzhou Juno Genomics, Inc
Classification: Pathogenic for Hereditary fructosuria. Review status: criteria provided, single submitter. Criteria: ACMG Guidelines, 2015. Collection method: clinical testing. Allele origin: germline.
Comment: Absent from controls (or at extremely low frequency if recessive) in Genome Aggregation Database.;Null variant in a gene where loss of function (LOF) is a known mechanism of disease.;For recessive disorders, detected in trans with a pathogenic variant.;Co-segregation with disease in multiple affected family members.

NM_000035.4(ALDOB):c.360_363del (p.Asn120fs)

Gene: ALDOB (aldolase, fructose-bisphosphate B; minus strand). Cytogenetic location: 9q31.1.
Variant type: Microsatellite.
Coding change: c.360_363del on transcript NM_000035.4 (MANE Select); coding-DNA positions 360 to 363, 4 bases deleted (CAAA; older notation c.360_363delCAAA).
Protein change: p.Asn120fs; shifts the reading frame from asparagine 120.
Molecular consequence: frameshift variant.
Genome position (GRCh38, 1-based): chr9:101,428,485-101,428,488, TTTG deleted on the plus strand (CAAA on the coding strand, the reverse complement: ALDOB is on the minus strand); deleting any 4 consecutive bases within chr9:101,428,485-101,428,494 gives the same sequence; the c. name uses the placement nearest the transcript's 3' end. VCF-style (leftmost placement, unchanged base first): chr9-101428484-CTTTG-C. GRCh37 (hg19) VCF-style: chr9-104190766-CTTTG-C.
Other names: delta E4E; p.Asn120Lysfs*32; c.360_363delCAAA (NM_000035.4); c.360_363del (NM_000035.3); short protein forms N120fs.
Identifiers: ClinVar variation 188861 (VCV000188861.56), dbSNP rs387906225, ClinGen allele CA114307.